The following is an entry in ClinVar:

NM_003673.4(TCAP):c.13G>A (p.Glu5Lys)

Gene: TCAP (titin-cap; plus strand). Cytogenetic location: 17q12.
Variant type: single nucleotide variant.
Coding change: c.13G>A on transcript NM_003673.4 (MANE Select); coding-DNA position 13, G replaced by A.
Protein change: p.Glu5Lys; replaces glutamic acid 5 with lysine.
Molecular consequence: missense variant.
Genome position (GRCh38, 1-based): chr17:39,665,372, G>A. VCF-style: chr17-39665372-G-A. GRCh37 (hg19) VCF-style: chr17-37821625-G-A.
Other names: short protein forms E5K.
Identifiers: ClinVar variation 3804985 (VCV003804985.1).

ClinVar aggregate classification (germline): Uncertain significance (1 of 4 stars; one submission).

Conditions:
Cardiovascular phenotype. Identifiers: MedGen CN230736.

Submission:

Ambry Genetics
Classification: Uncertain significance for Cardiovascular phenotype. Last evaluated: 2025-02-10. Review status: criteria provided, single submitter. Criteria: Ambry Variant Classification Scheme 2023. Collection method: clinical testing. Allele origin: germline.
Comment: The p.E5K variant (also known as c.13G>A), located in coding exon 1 of the TCAP gene, results from a G to A substitution at nucleotide position 13. The glutamic acid at codon 5 is replaced by lysine, an amino acid with similar properties. This amino acid position is conserved. In addition, the in silico prediction for this alteration is inconclusive. Based on the available evidence, the clinical significance of this variant remains unclear.